The following is an entry in ClinVar:

NM_001453.3(FOXC1):c.1288G>A (p.Asp430Asn)

Gene: FOXC1 (forkhead box C1; plus strand). Cytogenetic location: 6p25.3.
Variant type: single nucleotide variant.
Coding change: c.1288G>A on transcript NM_001453.3 (MANE Select); coding-DNA position 1288, G replaced by A.
Protein change: p.Asp430Asn; replaces aspartic acid 430 with asparagine.
Molecular consequence: missense variant.
Genome position (GRCh38, 1-based): chr6:1,611,733, G>A. VCF-style: chr6-1611733-G-A. GRCh37 (hg19) VCF-style: chr6-1611968-G-A.
Other names: short protein forms D430N.
Identifiers: ClinVar variation 1351058 (VCV001351058.8), dbSNP rs2113114322, ClinGen allele CA362560603.

ClinVar aggregate classification (germline): Uncertain significance (1 of 4 stars; one submission).

Conditions:
Axenfeld-Rieger syndrome type 3 (RIEG3). Also called: AXENFELD-RIEGER ANOMALY WITH CARDIAC DEFECTS AND/OR SENSORINEURAL HEARING LOSS. Identifiers: Orphanet 782, MedGen C2678503, MONDO:0011233, OMIM 602482.

Submission:

Labcorp Genetics (formerly Invitae), Labcorp
Classification: Uncertain significance for Axenfeld-Rieger syndrome type 3. Last evaluated: 2021-02-03. Review status: criteria provided, single submitter. Criteria: Invitae Variant Classification Sherloc (09022015). Collection method: clinical testing. Allele origin: germline.
Comment: Algorithms developed to predict the effect of missense changes on protein structure and function are either unavailable or do not agree on the potential impact of this missense change (SIFT: "Deleterious"; PolyPhen-2: "Probably Damaging"; Align-GVGD: "Class C0"). In summary, the available evidence is currently insufficient to determine the role of this variant in disease. Therefore, it has been classified as a Variant of Uncertain Significance. The frequency data for this variant in the population databases is considered unreliable, as metrics indicate insufficient coverage at this position in the ExAC database. This variant has not been reported in the literature in individuals with FOXC1-related conditions. This sequence change replaces aspartic acid with asparagine at codon 430 of the FOXC1 protein (p.Asp430Asn). The aspartic acid residue is moderately conserved and there is a small physicochemical difference between aspartic acid and asparagine.